The following is an entry in ClinVar:

NC_000011.9:g.(?_31804921)_(31807095_?)del

Genes: ELP4 (elongator acetyltransferase complex subunit 4; plus strand), PAX6 (paired box 6; minus strand). Cytogenetic location: 11p13.
Variant type: Deletion.
Identifiers: ClinVar variation 2426506 (VCV002426506.4).

ClinVar aggregate classification (germline): Uncertain significance (1 of 4 stars; one submission).

Submission:

Labcorp Genetics (formerly Invitae), Labcorp
Classification: Uncertain significance. Last evaluated: 2023-11-06. Review status: criteria provided, single submitter. Criteria: Invitae Variant Classification Sherloc (09022015). Collection method: clinical testing. Allele origin: germline.
Comment: This variant is a gross deletion of the genomic region encompassing exon(s) 10 of the ELP4 gene, which includes the termination codon. This deletion extends beyond the assayed region for this gene and therefore may encompass additional genes. While this deletion is not anticipated to lead to nonsense mediated decay, it is expected to alter mRNA translation or result in a truncated protein product. This variant has not been reported in the literature in individuals affected with ELP4-related conditions. Experimental studies and prediction algorithms are not available or were not evaluated, and the functional significance of this variant is currently unknown. In summary, the available evidence is currently insufficient to determine the role of this variant in disease. Therefore, it has been classified as a Variant of Uncertain Significance.